The following is an entry in ClinVar:

NM_002181.4(IHH):c.1151A>G (p.Tyr384Cys)

Gene: IHH (Indian hedgehog signaling molecule; minus strand). Cytogenetic location: 2q35.
Variant type: single nucleotide variant.
Coding change: c.1151A>G on transcript NM_002181.4 (MANE Select); coding-DNA position 1151, A replaced by G.
Protein change: p.Tyr384Cys; replaces tyrosine 384 with cysteine.
Molecular consequence: missense variant.
Genome position (GRCh38, 1-based): chr2:219,055,292, T>C on the plus strand (A>G on the coding strand, the complement: IHH is on the minus strand). VCF-style: chr2-219055292-T-C. GRCh37 (hg19) VCF-style: chr2-219920014-T-C.
Other names: short protein forms Y384C.
Identifiers: ClinVar variation 1308429 (VCV001308429.3), dbSNP rs2106306909, ClinGen allele CA350629614.

ClinVar aggregate classification (germline): Uncertain significance. Review status: criteria provided, multiple submitters, no conflicts (2 of 4 stars). 2 submissions from 2 submitters: Uncertain significance (2). Last evaluated 2026-02-01.

Submissions (2):

Labcorp Genetics (formerly Invitae), Labcorp
Classification: Uncertain significance. Last evaluated: 2026-02-01. Review status: criteria provided, single submitter. Criteria: Invitae Variant Classification Sherloc (09022015). Collection method: clinical testing. Allele origin: germline.
Comment: This sequence change replaces tyrosine, which is neutral and polar, with cysteine, which is neutral and slightly polar, at codon 384 of the IHH protein (p.Tyr384Cys). This variant is not present in population databases (gnomAD no frequency). This variant has not been reported in the literature in individuals affected with IHH-related conditions. ClinVar contains an entry for this variant (Variation ID: 1308429). Invitae Evidence Modeling of protein sequence and biophysical properties (such as structural, functional, and spatial information, amino acid conservation, physicochemical variation, residue mobility, and thermodynamic stability) indicates that this missense variant is expected to disrupt IHH protein function with a positive predictive value of 80%. In summary, the available evidence is currently insufficient to determine the role of this variant in disease. Therefore, it has been classified as a Variant of Uncertain Significance.

GeneDx
Classification: Uncertain significance. Last evaluated: 2019-03-30. Review status: criteria provided, single submitter. Criteria: GeneDx Variant Classification Process June 2021. Collection method: clinical testing. Allele origin: germline. Affected: yes.
Comment: Not observed in large population cohorts (Lek et al., 2016); In silico analysis, which includes protein predictors and evolutionary conservation, supports a deleterious effect; Has not been previously published as pathogenic or benign to our knowledge